The following is an entry in ClinVar:

NM_004562.3(PRKN):c.68T>A (p.Ile23Asn)

Gene: PRKN (parkin RBR E3 ubiquitin protein ligase; minus strand). Cytogenetic location: 6q26.
Variant type: single nucleotide variant.
Coding change: c.68T>A on transcript NM_004562.3 (MANE Select); coding-DNA position 68, T replaced by A.
Protein change: p.Ile23Asn; replaces isoleucine 23 with asparagine.
Molecular consequence: missense variant.
Genome position (GRCh38, 1-based): chr6:162,443,413, A>T on the plus strand (T>A on the coding strand, the complement: PRKN is on the minus strand). VCF-style: chr6-162443413-A-T. GRCh37 (hg19) VCF-style: chr6-162864445-A-T.
Other names: c.68T>A, p.Ile23Asn (NM_013987.3, NM_013988.3); short protein forms I23N.
Identifiers: ClinVar variation 662122 (VCV000662122.8), dbSNP rs199859147, ClinGen allele CA366477388.
Genomic context (GRCh38, chr6:162,443,413, plus strand): 5'-ACACGCAACTGGTCAGCCGGAACCCCCTGTCGCTTAGCAACCACCTCCTTGAGCTGGAAG[A>T]TGCTGGTGTCAGAATCGACCTCCACTGGGAAACCATGGCTGGAGTTGAACCTGACAAACA-3'
Protein context (NP_004553.2, residues 13-33): FPVEVDSDTS[Ile23Asn]FQLKEVVAKR

ClinVar aggregate classification (germline): Uncertain significance (1 of 4 stars; one submission).

Submission:

Labcorp Genetics (formerly Invitae), Labcorp
Classification: Uncertain significance. Last evaluated: 2018-10-30. Review status: criteria provided, single submitter. Criteria: Invitae Variant Classification Sherloc (09022015). Collection method: clinical testing. Allele origin: germline.
Comment: This variant is not present in population databases (ExAC no frequency). This sequence change replaces isoleucine with asparagine at codon 23 of the PRKN protein (p.Ile23Asn). The isoleucine residue is moderately conserved and there is a large physicochemical difference between isoleucine and asparagine. This variant has not been reported in the literature in individuals with PRKN-related disease. Algorithms developed to predict the effect of missense changes on protein structure and function are either unavailable or do not agree on the potential impact of this missense change (SIFT: "Deleterious"; PolyPhen-2: "Probably Damaging"; Align-GVGD: "Class C0"). In summary, the available evidence is currently insufficient to determine the role of this variant in disease. Therefore, it has been classified as a Variant of Uncertain Significance.